The following is an entry in ClinVar:

ClinVar aggregate classification (germline): Uncertain significance. Review status: criteria provided, multiple submitters, no conflicts (2 of 4 stars). 2 submissions from 2 submitters: Uncertain significance (2). Last evaluated 2024-10-03.

Conditions:
Hereditary pheochromocytoma and paraganglioma. Also called: Hereditary paragangliomas and pheochromocytomas; Hereditary Paraganglioma-Pheochromocytoma Syndromes; Hereditary pheochromocytoma-paraganglioma. Identifiers: Orphanet 29072, MedGen C4274332, MONDO:0017366.
Hereditary cancer-predisposing syndrome. Also called: Tumor predisposition; Hereditary Cancer Syndrome; Hereditary neoplastic syndrome; Neoplastic Syndromes, Hereditary. Identifiers: Orphanet 140162, MedGen C0027672, MeSH D009386, MONDO:0015356.

Allele frequency attached by ClinVar (database versions not stated): gnomAD exomes below 0.00001; TOPMed below 0.00001; gnomAD 0.00001.
gnomAD v4.1: 4 of 1,611,250 alleles (0.00025%); highest among the groups gnomAD compares: Non-Finnish European, 0.00034%; no homozygotes.

Submissions (2):

Labcorp Genetics (formerly Invitae), Labcorp
Classification: Uncertain significance for Hereditary pheochromocytoma and paraganglioma. Last evaluated: 2024-10-03. Review status: criteria provided, single submitter. Criteria: Invitae Variant Classification Sherloc (09022015). Collection method: clinical testing. Allele origin: germline.
Comment: This sequence change replaces arginine, which is basic and polar, with glutamine, which is neutral and polar, at codon 47 of the MAX protein (p.Arg47Gln). This variant is not present in population databases (gnomAD no frequency). This variant has not been reported in the literature in individuals affected with MAX-related conditions. ClinVar contains an entry for this variant (Variation ID: 1424579). An algorithm developed to predict the effect of missense changes on protein structure and function (PolyPhen-2) suggests that this variant is likely to be disruptive. In summary, the available evidence is currently insufficient to determine the role of this variant in disease. Therefore, it has been classified as a Variant of Uncertain Significance.

Ambry Genetics
Classification: Uncertain significance for Hereditary cancer-predisposing syndrome. Last evaluated: 2022-04-06. Review status: criteria provided, single submitter. Criteria: Ambry Variant Classification Scheme 2023. Collection method: clinical testing. Allele origin: germline.
Comment: The p.R47Q variant (also known as c.140G>A), located in coding exon 3 of the MAX gene, results from a G to A substitution at nucleotide position 140. The arginine at codon 47 is replaced by glutamine, an amino acid with highly similar properties. This amino acid position is highly conserved in available vertebrate species. In addition, this alteration is predicted to be deleterious by in silico analysis. Since supporting evidence is limited at this time, the clinical significance of this alteration remains unclear.

NM_002382.5(MAX):c.140G>A (p.Arg47Gln)

Genes: MAX (MYC associated transcriptional regulator X; minus strand), MAX-AS1 (MAX antisense RNA 1; plus strand). Cytogenetic location: 14q23.3.
Variant type: single nucleotide variant.
Coding change: c.140G>A on transcript NM_002382.5 (MANE Select); coding-DNA position 140, G replaced by A.
Protein change: p.Arg47Gln; replaces arginine 47 with glutamine.
Molecular consequence: missense variant. On other transcripts: non-coding transcript variant (1), 5 prime UTR variant (1).
Genome position (GRCh38, 1-based): chr14:65,093,739, C>T on the plus strand (G>A on the coding strand, the complement: MAX is on the minus strand). VCF-style: chr14-65093739-C-T. GRCh37 (hg19) VCF-style: chr14-65560457-C-T.
Other names: c.113G>A, p.Arg38Gln (NM_001271068.2, NM_001271069.2, NM_001407095.1 and 9 more transcripts); c.-135G>A (NM_001320415.2, NM_001407105.1, NM_001407106.1 and 1 more transcripts); c.140G>A, p.Arg47Gln (NM_001407094.1, NM_001407096.1, NM_001407097.1 and 5 more transcripts); c.-228G>A (NM_001407111.1, NM_001407112.1); c.163G>A, p.Gly55Arg (NM_001407114.1); short protein forms R47Q, R38Q, G55R.
Identifiers: ClinVar variation 1424579 (VCV001424579.11), dbSNP rs2063580413, ClinGen allele CA390037662.